The following is an entry in ClinVar:

ClinVar aggregate classification (germline): Uncertain significance. Review status: criteria provided, multiple submitters, no conflicts (2 of 4 stars). 2 submissions from 2 submitters: Uncertain significance (2). Last evaluated 2023-12-19.

Conditions:
Inborn genetic diseases. Identifiers: MedGen C0950123, MeSH D030342.
H syndrome. Also called: HISTIOCYTOSIS AND LYMPHADENOPATHY WITH OR WITHOUT CUTANEOUS, CARDIAC, AND/OR ENDOCRINE FEATURES, JOINT CONTRACTURES, AND/OR DEAFNESS; HYPERPIGMENTATION, CUTANEOUS, WITH HYPERTRICHOSIS, HEPATOSPLENOMEGALY, HEART ANOMALIES, AND HYPOGONADISM WITH OR WITHOUT HEARING LOSS; PIGMENTED HYPERTRICHOSIS WITH INSULIN-DEPENDENT DIABETES MELLITUS; ROSAI-DORFMAN DISEASE, FAMILIAL; SINUS HISTIOCYTOSIS AND MASSIVE LYMPHADENOPATHY; Hyperpigmentation, Cutaneous, with Hypertrichosis, Hepatosplenomegaly, Heart Anomalies, Hearing Loss, and Hypogonadism. Identifiers: Orphanet 168569, MedGen C1864445, MONDO:0011273, OMIM 602782.

Allele frequency attached by ClinVar (database versions not stated): ExAC 0.00003; gnomAD exomes 0.00006 and 0.00009; gnomAD 0.00008 and 0.00009; TOPMed 0.00009.
gnomAD v4.1: 147 of 1,613,998 alleles (0.0091%); highest among the groups gnomAD compares: Non-Finnish European, 0.012%; 1 homozygote.

Submissions (2):

Ambry Genetics
Classification: Uncertain significance for Inborn genetic diseases. Last evaluated: 2023-12-19. Review status: criteria provided, single submitter. Criteria: Ambry Variant Classification Scheme 2023. Collection method: clinical testing. Allele origin: germline.

Labcorp Genetics (formerly Invitae), Labcorp
Classification: Uncertain significance for H syndrome. Last evaluated: 2022-07-13. Review status: criteria provided, single submitter. Criteria: Invitae Variant Classification Sherloc (09022015). Collection method: clinical testing. Allele origin: germline.
Comment: This sequence change replaces aspartic acid, which is acidic and polar, with asparagine, which is neutral and polar, at codon 8 of the SLC29A3 protein (p.Asp8Asn). This variant is present in population databases (rs558547846, gnomAD 0.01%). This variant has not been reported in the literature in individuals affected with SLC29A3-related conditions. ClinVar contains an entry for this variant (Variation ID: 581253). Algorithms developed to predict the effect of missense changes on protein structure and function output the following: SIFT: "Tolerated"; PolyPhen-2: "Benign"; Align-GVGD: "Class C0". The asparagine amino acid residue is found in multiple mammalian species, which suggests that this missense change does not adversely affect protein function. In summary, the available evidence is currently insufficient to determine the role of this variant in disease. Therefore, it has been classified as a Variant of Uncertain Significance.

NM_018344.6(SLC29A3):c.22G>A (p.Asp8Asn)

Gene: SLC29A3 (solute carrier family 29 member 3; plus strand). Cytogenetic location: 10q22.1.
Variant type: single nucleotide variant.
Coding change: c.22G>A on transcript NM_018344.6 (MANE Select); coding-DNA position 22, G replaced by A.
Protein change: p.Asp8Asn; replaces aspartic acid 8 with asparagine.
Molecular consequence: missense variant. On other transcripts: 5 prime UTR variant (1), non-coding transcript variant (2).
Genome position (GRCh38, 1-based): chr10:71,322,776, G>A. VCF-style: chr10-71322776-G-A. GRCh37 (hg19) VCF-style: chr10-73082533-G-A.
Other names: c.22G>A, p.Asp8Asn (NM_001174098.2); c.-213G>A (NM_001363518.2); short protein forms D8N.
Identifiers: ClinVar variation 581253 (VCV000581253.4), dbSNP rs558547846, ClinGen allele CA5542801.